The following is an entry in ClinVar:

ClinVar aggregate classification (germline): Conflicting classifications of pathogenicity. Review status: criteria provided, conflicting classifications (1 of 4 stars). 3 submissions from 3 submitters: Uncertain significance (2); Likely benign (1). Last evaluated 2026-08-01.

Conditions:
Dystonia 28, childhood-onset (DYT28). Also called: KMT2B-Related Dystonia (DYT-KMT2B). Identifiers: Orphanet 589618, MedGen C4310633, MONDO:0015004, OMIM 617284.

Allele frequency attached by ClinVar (database versions not stated): gnomAD 0.00001; ExAC 0.00003; TOPMed 0.00003.
gnomAD v4.1: 22 of 1,608,456 alleles (0.0014%); highest among the groups gnomAD compares: Non-Finnish European, 0.0017%; no homozygotes.

Submissions (3):

CeGaT Center for Human Genetics Tuebingen
Classification: Uncertain significance. Last evaluated: 2026-08-01. Review status: criteria provided, single submitter. Criteria: CeGaT Center For Human Genetics Tuebingen Variant Classification Criteria Version 2. Collection method: clinical testing. Allele origin: germline. Affected: yes. Observed: 4 variant alleles.
Comment: KMT2B: PM2, BP4

Labcorp Genetics (formerly Invitae), Labcorp
Classification: Likely benign. Last evaluated: 2025-11-24. Review status: criteria provided, single submitter. Criteria: Invitae Variant Classification Sherloc (09022015). Collection method: clinical testing. Allele origin: germline.

Genomic Medicine Center of Excellence, King Faisal Specialist Hospital and Research Centre
Classification: Uncertain significance for Dystonia 28, childhood-onset. Last evaluated: 2024-09-22. Review status: criteria provided, single submitter. Criteria: ACMG Guidelines, 2015. Collection method: clinical testing. Allele origin: germline.

NM_014727.3(KMT2B):c.2462G>T (p.Ser821Ile)

Gene: KMT2B (lysine methyltransferase 2B; plus strand). Cytogenetic location: 19q13.12.
Variant type: single nucleotide variant.
Coding change: c.2462G>T on transcript NM_014727.3 (MANE Select); coding-DNA position 2462, G replaced by T.
Protein change: p.Ser821Ile; replaces serine 821 with isoleucine.
Molecular consequence: missense variant.
Genome position (GRCh38, 1-based): chr19:35,722,363, G>T. VCF-style: chr19-35722363-G-T. GRCh37 (hg19) VCF-style: chr19-36213265-G-T.
Other names: short protein forms S821I.
Identifiers: ClinVar variation 623940 (VCV000623940.47), dbSNP rs767324610, ClinGen allele CA9384460.
Genomic context (GRCh38, chr19:35,722,363, plus strand): 5'-CCCTGTCCCTATCTTTCCTCACTGTCCAGCCCCTGACCCTGTTTATTCCCTGCCAGCTGA[G>T]CCCTGGAGGGCAGATGGAGGAGGTGGCCGGGGCTGTCAAGCAGATCTCCGACAGAGGCCC-3'
Protein context (NP_055542.1, residues 811-831): QQKVAASMPL[Ser821Ile]PGGQMEEVAG